The following is an entry in ClinVar:

ClinVar aggregate classification (germline): Uncertain significance (1 of 4 stars; one submission).

Conditions:
Polycystic kidney disease, adult type (PKD1). Also called: POLYCYSTIC KIDNEY DISEASE, ADULT, TYPE I; Polycystic Kidney Disease 1, Autosomal Dominant; Polycystic kidney disease 1; Polycystic kidney disease 1, severe; Polycystic Kidney, Autosomal Dominant; POLYCYSTIC KIDNEY DISEASE 1 WITH OR WITHOUT POLYCYSTIC LIVER DISEASE. Identifiers: MedGen C3149841, MONDO:0008263, OMIM 173900.

Submission:

Juno Genomics, Hangzhou Juno Genomics, Inc
Classification: Uncertain significance for Polycystic kidney disease, adult type. Review status: criteria provided, single submitter. Criteria: ACMG Guidelines, 2015. Collection method: clinical testing. Allele origin: germline. Affected: yes.
Comment: Absent from controls (or at extremely low frequency if recessive) in Genome Aggregation Database, Exome Sequencing Project, 1000 Genomes Project, or Exome Aggregation Consortium.;Multiple lines of computational evidence support a deleterious effect on the gene or gene product (conservation, evolutionary, splicing impact, etc).;Patient's phenotype or family history is highly specific for a disease with a single genetic etiology.

NM_001009944.3(PKD1):c.9122C>A (p.Ala3041Asp)

Gene: PKD1 (polycystin 1, transient receptor potential channel interacting; minus strand). Cytogenetic location: 16p13.3.
Variant type: single nucleotide variant.
Coding change: c.9122C>A on transcript NM_001009944.3 (MANE Select); coding-DNA position 9122, C replaced by A.
Protein change: p.Ala3041Asp; replaces alanine 3041 with aspartic acid.
Molecular consequence: missense variant.
Genome position (GRCh38, 1-based): chr16:2,102,460, G>T on the plus strand (C>A on the coding strand, the complement: PKD1 is on the minus strand). VCF-style: chr16-2102460-G-T. GRCh37 (hg19) VCF-style: chr16-2152461-G-T.
Other names: c.9122C>A, p.Ala3041Asp (NM_000296.4); short protein forms A3041D.
Identifiers: ClinVar variation 3382503 (VCV003382503.2).
Genomic context (GRCh38, chr16:2,102,460, plus strand): 5'-TGGCTTGGGGGCACGAAGAGGCTGGCGCCGAAGGCGGTGAGGTGGCGGGTGAGGCAGACG[G>T]CCTGGCGGGGCGAGGTCTCCTCCAGGGGCAGCAGCCCCTCTGTCCGCCACACCATGTCCT-3'
Protein context (NP_001009944.3, residues 3031-3051): LPLEETSPRQ[Ala3041Asp]VCLTRHLTAF